The following is an entry in ClinVar:

ClinVar aggregate classification (germline): Uncertain significance (1 of 4 stars; one submission).

Conditions:
Carnitine palmitoyltransferase II deficiency. Also called: Carnitine Palmitoyltransferase 2 Deficiency. Identifiers: Orphanet 157, MedGen C0342790, MONDO:0015515.

Allele frequency attached by ClinVar (database versions not stated): gnomAD exomes below 0.00001; ExAC 0.00001.
gnomAD v4.1: 1 of 1,614,072 alleles (0.000062%); highest among the groups gnomAD compares: South Asian, 0.0011%; no homozygotes.

Submission:

Labcorp Genetics (formerly Invitae), Labcorp
Classification: Uncertain significance for Carnitine palmitoyltransferase II deficiency. Last evaluated: 2022-01-15. Review status: criteria provided, single submitter. Criteria: Invitae Variant Classification Sherloc (09022015). Collection method: clinical testing. Allele origin: germline.
Comment: This sequence change replaces serine, which is neutral and polar, with asparagine, which is neutral and polar, at codon 265 of the CPT2 protein (p.Ser265Asn). This variant is present in population databases (rs763502641, gnomAD 0.003%). This variant has not been reported in the literature in individuals affected with CPT2-related conditions. ClinVar contains an entry for this variant (Variation ID: 571489). Advanced modeling of protein sequence and biophysical properties (such as structural, functional, and spatial information, amino acid conservation, physicochemical variation, residue mobility, and thermodynamic stability) performed at Invitae indicates that this missense variant is not expected to disrupt CPT2 protein function. In summary, the available evidence is currently insufficient to determine the role of this variant in disease. Therefore, it has been classified as a Variant of Uncertain Significance.

NM_000098.3(CPT2):c.794G>A (p.Ser265Asn)

Gene: CPT2 (carnitine palmitoyltransferase 2; plus strand). Cytogenetic location: 1p32.3.
Variant type: single nucleotide variant.
Coding change: c.794G>A on transcript NM_000098.3 (MANE Select); coding-DNA position 794, G replaced by A.
Protein change: p.Ser265Asn; replaces serine 265 with asparagine.
Molecular consequence: missense variant.
Genome position (GRCh38, 1-based): chr1:53,210,468, G>A. VCF-style: chr1-53210468-G-A. GRCh37 (hg19) VCF-style: chr1-53676140-G-A.
Other names: c.794G>A, p.Ser265Asn (NM_001330589.2); short protein forms S265N.
Identifiers: ClinVar variation 571489 (VCV000571489.6), dbSNP rs763502641, ClinGen allele CA859049.
Genomic context (GRCh38, chr1:53,210,468, plus strand): 5'-TCCTAAGGAAAGGAAATTTTTATATCTTTGATGTCCTGGATCAAGATGGGAACATTGTGA[G>A]CCCCTCGGAAATCCAGGCACATCTGAAGTACATTCTCTCAGACAGCAGCCCCGCCCCCGA-3'
Protein context (NP_000089.1, residues 255-275): DVLDQDGNIV[Ser265Asn]PSEIQAHLKY